The following is an entry in ClinVar:

NM_000553.6(WRN):c.3391G>A (p.Val1131Ile)

Gene: WRN (WRN RecQ like helicase; plus strand). Cytogenetic location: 8p12.
Variant type: single nucleotide variant.
Coding change: c.3391G>A on transcript NM_000553.6 (MANE Select); coding-DNA position 3391, G replaced by A.
Protein change: p.Val1131Ile; replaces valine 1131 with isoleucine.
Molecular consequence: missense variant.
Genome position (GRCh38, 1-based): chr8:31,147,060, G>A. VCF-style: chr8-31147060-G-A. GRCh37 (hg19) VCF-style: chr8-31004576-G-A.
Other names: short protein forms V1131I.
Identifiers: ClinVar variation 2873722 (VCV002873722.3), dbSNP rs759564734, ClinGen allele CA4705054.

ClinVar aggregate classification (germline): Uncertain significance (1 of 4 stars; one submission).

Conditions:
Werner syndrome (WRN). Identifiers: Orphanet 902, MedGen C0043119, MONDO:0010196, OMIM 277700.

Allele frequency attached by ClinVar (database versions not stated): gnomAD exomes below 0.00001; TOPMed below 0.00001; ExAC 0.00001.
gnomAD v4.1: 2 of 1,613,000 alleles (0.00012%); highest among the groups gnomAD compares: South Asian, 0.0011%; no homozygotes.

Submission:

Labcorp Genetics (formerly Invitae), Labcorp
Classification: Uncertain significance for Werner syndrome. Last evaluated: 2023-01-30. Review status: criteria provided, single submitter. Criteria: Invitae Variant Classification Sherloc (09022015). Collection method: clinical testing. Allele origin: germline.
Comment: In summary, the available evidence is currently insufficient to determine the role of this variant in disease. Therefore, it has been classified as a Variant of Uncertain Significance. An algorithm developed to predict the effect of missense changes on protein structure and function (PolyPhen-2) suggests that this variant is likely to be tolerated. This variant has not been reported in the literature in individuals affected with WRN-related conditions. This variant is present in population databases (rs759564734, gnomAD 0.003%). This sequence change replaces valine, which is neutral and non-polar, with isoleucine, which is neutral and non-polar, at codon 1131 of the WRN protein (p.Val1131Ile).